The following is an entry in ClinVar:

NM_014283.5(SUCO):c.1058T>C (p.Ile353Thr)

Gene: SUCO (SUN domain containing ossification factor; plus strand). Cytogenetic location: 1q24.3.
Variant type: single nucleotide variant.
Coding change: c.1058T>C on transcript NM_014283.5 (MANE Select); coding-DNA position 1058, T replaced by C.
Protein change: p.Ile353Thr; replaces isoleucine 353 with threonine.
Molecular consequence: missense variant. On other transcripts: 5 prime UTR variant (1).
Genome position (GRCh38, 1-based): chr1:172,573,899, T>C. VCF-style: chr1-172573899-T-C. GRCh37 (hg19) VCF-style: chr1-172543039-T-C.
Other names: c.947T>C, p.Ile316Thr (NM_001282750.2); c.-472T>C (NM_001282751.2); c.1532T>C, p.Ile511Thr (NM_016227.4); short protein forms I511T, I353T, I316T.
Identifiers: ClinVar variation 2693932 (VCV002693932.3), dbSNP rs577892601, ClinGen allele CA1246737.

ClinVar aggregate classification (germline): Uncertain significance (1 of 4 stars; one submission).

Allele frequency attached by ClinVar (database versions not stated): TOPMed below 0.00001; gnomAD 0.00001; gnomAD exomes 0.00006; 1000 Genomes Project 30x 0.00016; ExAC 0.00019; 1000 Genomes Project 0.00020.
gnomAD v4.1: 83 of 1,571,612 alleles (0.0053%); highest among the groups gnomAD compares: South Asian, 0.084%; 1 homozygote.

Submission:

Labcorp Genetics (formerly Invitae), Labcorp
Classification: Uncertain significance. Last evaluated: 2023-12-30. Review status: criteria provided, single submitter. Criteria: Invitae Variant Classification Sherloc (09022015). Collection method: clinical testing. Allele origin: germline.
Comment: This sequence change replaces isoleucine, which is neutral and non-polar, with threonine, which is neutral and polar, at codon 353 of the SUCO protein (p.Ile353Thr). This variant is present in population databases (rs577892601, gnomAD 0.09%), and has an allele count higher than expected for a pathogenic variant. This variant has not been reported in the literature in individuals affected with SUCO-related conditions. An algorithm developed to predict the effect of missense changes on protein structure and function (PolyPhen-2) suggests that this variant is likely to be disruptive. In summary, the available evidence is currently insufficient to determine the role of this variant in disease. Therefore, it has been classified as a Variant of Uncertain Significance.